The following is an entry in ClinVar:

NM_000081.4(LYST):c.6833A>G (p.Tyr2278Cys)

Gene: LYST (lysosomal trafficking regulator; minus strand). Cytogenetic location: 1q42.3.
Variant type: single nucleotide variant.
Coding change: c.6833A>G on transcript NM_000081.4 (MANE Select); coding-DNA position 6833, A replaced by G.
Protein change: p.Tyr2278Cys; replaces tyrosine 2278 with cysteine.
Molecular consequence: missense variant.
Genome position (GRCh38, 1-based): chr1:235,759,020, T>C on the plus strand (A>G on the coding strand, the complement: LYST is on the minus strand). VCF-style: chr1-235759020-T-C. GRCh37 (hg19) VCF-style: chr1-235922320-T-C.
Other names: c.6833A>G, p.Tyr2278Cys (NM_001301365.1); c.6833A>G (NM_000081.2); short protein forms Y2278C.
Identifiers: ClinVar variation 525157 (VCV000525157.10), dbSNP rs189657766, ClinGen allele CA1466300.

ClinVar aggregate classification (germline): Uncertain significance. Review status: criteria provided, multiple submitters, no conflicts (2 of 4 stars). 3 submissions from 3 submitters: Uncertain significance (3). Last evaluated 2026-03-19.

Conditions:
Chédiak-Higashi syndrome (CHS). Also called: Chediak-Higashi Syndrome. Identifiers: Orphanet 167, MedGen C0007965, MONDO:0008963, OMIM 214500.
Inborn genetic diseases. Identifiers: MedGen C0950123, MeSH D030342.

Allele frequency attached by ClinVar (database versions not stated): 1000 Genomes Project 30x 0.00031; 1000 Genomes Project 0.00040; ESP Exome Variant Server 0.00008; TOPMed 0.00026; gnomAD exomes 0.00009; ExAC 0.00010; gnomAD 0.00018.
gnomAD v4.1: 173 of 1,614,054 alleles (0.011%); highest among the groups gnomAD compares: Admixed American, 0.053%; no homozygotes.

Submissions (3):

GeneDx
Classification: Uncertain significance. Last evaluated: 2026-03-19. Review status: criteria provided, single submitter. Criteria: GeneDx Variant Classification Process June 2021. Collection method: clinical testing. Allele origin: germline.
Comment: Has not been previously published as pathogenic or benign to our knowledge; In silico analysis suggests that this missense variant does not alter protein structure/function

Labcorp Genetics (formerly Invitae), Labcorp
Classification: Uncertain significance for Chédiak-Higashi syndrome. Last evaluated: 2022-07-26. Review status: criteria provided, single submitter. Criteria: Invitae Variant Classification Sherloc (09022015). Collection method: clinical testing. Allele origin: germline.
Comment: This sequence change replaces tyrosine, which is neutral and polar, with cysteine, which is neutral and slightly polar, at codon 2278 of the LYST protein (p.Tyr2278Cys). This variant is present in population databases (rs189657766, gnomAD 0.04%). This variant has not been reported in the literature in individuals affected with LYST-related conditions. ClinVar contains an entry for this variant (Variation ID: 525157). Algorithms developed to predict the effect of missense changes on protein structure and function are either unavailable or do not agree on the potential impact of this missense change (SIFT: "Deleterious"; PolyPhen-2: "Benign"; Align-GVGD: "Class C0"). In summary, the available evidence is currently insufficient to determine the role of this variant in disease. Therefore, it has been classified as a Variant of Uncertain Significance.

Ambry Genetics
Classification: Uncertain significance for Inborn genetic diseases. Last evaluated: 2021-08-02. Review status: criteria provided, single submitter. Criteria: Ambry Variant Classification Scheme 2023. Collection method: clinical testing. Allele origin: germline.